The following is an entry in ClinVar:

ClinVar aggregate classification (germline): Uncertain significance (1 of 4 stars; one submission).

Conditions:
Charcot-Marie-Tooth disease, type I (CMT1). Also called: Charcot-Marie-Tooth disease type 1; Charcot-Marie-Tooth, Type 1. Identifiers: Orphanet 65753, MedGen C0751036, MONDO:0019011.

Submission:

Labcorp Genetics (formerly Invitae), Labcorp
Classification: Uncertain significance for Charcot-Marie-Tooth disease, type I. Last evaluated: 2022-11-04. Review status: criteria provided, single submitter. Criteria: Invitae Variant Classification Sherloc (09022015). Collection method: clinical testing. Allele origin: germline.
Comment: In summary, the available evidence is currently insufficient to determine the role of this variant in disease. Therefore, it has been classified as a Variant of Uncertain Significance. Advanced modeling of protein sequence and biophysical properties (such as structural, functional, and spatial information, amino acid conservation, physicochemical variation, residue mobility, and thermodynamic stability) performed at Invitae indicates that this missense variant is not expected to disrupt EGR2 protein function. This variant has not been reported in the literature in individuals affected with EGR2-related conditions. This variant is not present in population databases (gnomAD no frequency). This sequence change replaces proline, which is neutral and non-polar, with serine, which is neutral and polar, at codon 341 of the EGR2 protein (p.Pro341Ser).

NM_000399.5(EGR2):c.1021C>T (p.Pro341Ser)

Gene: EGR2 (early growth response 2; minus strand). Cytogenetic location: 10q21.3.
Variant type: single nucleotide variant.
Coding change: c.1021C>T on transcript NM_000399.5 (MANE Select); coding-DNA position 1021, C replaced by T.
Protein change: p.Pro341Ser; replaces proline 341 with serine.
Molecular consequence: missense variant.
Genome position (GRCh38, 1-based): chr10:62,813,617, G>A on the plus strand (C>T on the coding strand, the complement: EGR2 is on the minus strand). VCF-style: chr10-62813617-G-A. GRCh37 (hg19) VCF-style: chr10-64573377-G-A.
Other names: c.1021C>T, p.Pro341Ser (NM_001136177.3, NM_001136178.2); c.871C>T, p.Pro291Ser (NM_001136179.3, NM_001321037.2); c.1060C>T, p.Pro354Ser (NM_001410931.1); short protein forms P354S, P341S, P291S.
Identifiers: ClinVar variation 2812094 (VCV002812094.3), dbSNP rs2492295112, ClinGen allele CA377028017.
Genomic context (GRCh38, chr10:62,813,617, plus strand): 5'-TGTGCCGTGTCAGCTCGTCAGAGCGGGAGAACCGCCGGTCGCAGCCTTCTGCTGGGCACG[G>A]GTAGGGCCTCTCGTGCACCGGCGTCTTGCTGGGTCTGTTGGGGTACTTGCGAGGCCTCAG-3'
Protein context (NP_000390.2, residues 331-351): SKTPVHERPY[Pro341Ser]CPAEGCDRRF